The following is an entry in ClinVar:

ClinVar aggregate classification (germline): Uncertain significance. Review status: criteria provided, multiple submitters, no conflicts (2 of 4 stars). 2 submissions from 2 submitters: Uncertain significance (2). Last evaluated 2026-07-07.

Conditions:
Multiple endocrine neoplasia, type 1 (MEN1). Also called: MEA I; MEN I; WERMER SYNDROME; Endocrine adenomatosis multiple; MEN 1. Identifiers: Orphanet 652, MedGen C0025267, MeSH D018761, MONDO:0007540, OMIM 131100.
Hereditary cancer-predisposing syndrome. Also called: Hereditary Cancer Syndrome; Hereditary neoplastic syndrome; Neoplastic Syndromes, Hereditary; Tumor predisposition. Identifiers: Orphanet 140162, MedGen C0027672, MeSH D009386, MONDO:0015356.

Submissions (2):

Ambry Genetics
Classification: Uncertain significance for Hereditary cancer-predisposing syndrome. Last evaluated: 2026-07-07. Review status: criteria provided, single submitter. Criteria: Ambry Variant Classification Scheme 2023. Collection method: clinical testing. Allele origin: germline.
Comment: The p.S246Y variant (also known as c.737C>A), located in coding exon 3 of the MEN1 gene, results from a C to A substitution at nucleotide position 737. The serine at codon 246 is replaced by tyrosine, an amino acid with dissimilar properties. This amino acid position is conserved. In addition, this alteration is predicted to be deleterious by in silico analysis. Based on the available evidence, the clinical significance of this variant remains unclear.

Labcorp Genetics (formerly Invitae), Labcorp
Classification: Uncertain significance for Multiple endocrine neoplasia, type 1. Last evaluated: 2023-04-09. Review status: criteria provided, single submitter. Criteria: Invitae Variant Classification Sherloc (09022015). Collection method: clinical testing. Allele origin: germline.
Comment: This variant has not been reported in the literature in individuals affected with MEN1-related conditions. This variant is not present in population databases (gnomAD no frequency). This sequence change replaces serine, which is neutral and polar, with tyrosine, which is neutral and polar, at codon 246 of the MEN1 protein (p.Ser246Tyr). In summary, the available evidence is currently insufficient to determine the role of this variant in disease. Therefore, it has been classified as a Variant of Uncertain Significance. Advanced modeling of protein sequence and biophysical properties (such as structural, functional, and spatial information, amino acid conservation, physicochemical variation, residue mobility, and thermodynamic stability) performed at Invitae indicates that this missense variant is expected to disrupt MEN1 protein function.

NM_001370259.2(MEN1):c.737C>A (p.Ser246Tyr)

Gene: MEN1 (menin 1; minus strand). Cytogenetic location: 11q13.1.
Variant type: single nucleotide variant.
Coding change: c.737C>A on transcript NM_001370259.2 (MANE Select); coding-DNA position 737, C replaced by A.
Protein change: p.Ser246Tyr; replaces serine 246 with tyrosine.
Molecular consequence: missense variant. On other transcripts: non-coding transcript variant (4).
Genome position (GRCh38, 1-based): chr11:64,807,598, G>T on the plus strand (C>A on the coding strand, the complement: MEN1 is on the minus strand). VCF-style: chr11-64807598-G-T. GRCh37 (hg19) VCF-style: chr11-64575070-G-T.
Other names: c.752C>A, p.Ser251Tyr (NM_000244.4, NM_130800.3, NM_130801.3 and 5 more transcripts); c.737C>A, p.Ser246Tyr (NM_001370251.2, NM_001370260.2, NM_001370261.2 and 7 more transcripts); c.632C>A, p.Ser211Tyr (NM_001370262.2, NM_001370263.2, NM_001407148.1 and 2 more transcripts); short protein forms S211Y, S251Y, S246Y.
Identifiers: ClinVar variation 3011064 (VCV003011064.4), dbSNP rs1413782106, ClinGen allele CA381184368.